The following is an entry in ClinVar:

ClinVar aggregate classification (germline): Conflicting classifications of pathogenicity. Review status: criteria provided, conflicting classifications (1 of 4 stars). 13 submissions from 12 submitters: Uncertain significance (4); Benign (1); Likely benign (5). 3 of the submissions do not count toward it. Last evaluated 2026-01-30.

Conditions:
Connective tissue disorder. Also called: Connective tissue disease. Identifiers: MedGen C0009782, MONDO:0003900.
COL11A1-related disorder. Also called: COL11A1-related condition; COL11A1-related disorders.
Fibrochondrogenesis 1 (FBCG1). Identifiers: Orphanet 2021, MedGen C3278138, MONDO:0009226, OMIM 228520.
Stickler syndrome type 2 (STL2). Also called: COL11A1-Related Stickler Syndrome; STICKLER SYNDROME, TYPE II; STICKLER SYNDROME, BEADED VITREOUS TYPE; STICKLER SYNDROME, VITREOUS TYPE 2. Identifiers: Orphanet 828, Orphanet 90654, MedGen C1858084, MONDO:0011493, OMIM 604841.
Marshall syndrome (MRSHS). Identifiers: Orphanet 560, MedGen C0265235, MONDO:0007949, OMIM 154780.

Allele frequency attached by ClinVar (database versions not stated): ESP Exome Variant Server 0.00023; gnomAD 0.00040 and 0.00044; gnomAD exomes 0.00042 and 0.00045; ExAC 0.00044; TOPMed 0.00048.
gnomAD v4.1: 680 of 1,613,780 alleles (0.042%); highest among the groups gnomAD compares: Middle Eastern, 0.099%; no homozygotes.

Submissions (13):

Labcorp Genetics (formerly Invitae), Labcorp
Classification: Likely benign. Last evaluated: 2026-01-30. Review status: criteria provided, single submitter. Criteria: Invitae Variant Classification Sherloc (09022015). Collection method: clinical testing. Allele origin: germline.

Women's Health and Genetics/Laboratory Corporation of America, LabCorp
Classification: Uncertain significance. Last evaluated: 2025-11-10. Review status: criteria provided, single submitter. Criteria: LabCorp Variant Classification Summary - May 2015. Collection method: clinical testing. Allele origin: germline.
Comment: Variant summary: COL11A1 c.5198G>A (p.Arg1733His) results in a non-conservative amino acid change in the encoded protein sequence. Algorithms developed to predict the effect of missense changes on protein structure and function are either unavailable or do not agree on the potential impact of this missense change. The variant allele was found at a frequency of 0.00045 in 251036 control chromosomes. This frequency is not significantly higher than estimated for disease-causing variants in COL11A1, allowing no conclusion about variant significance. To our knowledge, no occurrence of c.5198G>A in individuals affected with COL11A1-related conditions and no experimental evidence demonstrating its impact on protein function have been reported. ClinVar contains an entry for this variant (Variation ID: 198360). Based on the evidence outlined above, the variant was classified as uncertain significance.

Blueprint Genetics
Classification: Likely benign. Last evaluated: 2024-11-01. Review status: criteria provided, single submitter. Criteria: ACMG Guidelines, 2015. Collection method: clinical testing. Allele origin: germline.

GeneDx
Classification: Likely benign. Last evaluated: 2022-04-12. Review status: criteria provided, single submitter. Criteria: GeneDx Variant Classification Process June 2021. Collection method: clinical testing. Allele origin: germline. Affected: yes.
Comment: See Variant Classification Assertion Criteria.

Athena Diagnostics
Classification: Benign. Last evaluated: 2019-06-27. Review status: criteria provided, single submitter. Criteria: Athena Diagnostics Criteria. Collection method: clinical testing. Allele origin: germline.

Institute of Human Genetics, University of Leipzig Medical Center
Classification: Likely benign for Marshall syndrome. Last evaluated: 2019-01-01. Review status: criteria provided, single submitter. Criteria: ACMG Guidelines, 2015. Collection method: clinical testing. Allele origin: unknown. Affected: yes.

Center for Human Genetics, Inc
Classification: Likely benign for Connective tissue disorder. Last evaluated: 2018-06-01. Review status: criteria provided, single submitter. Criteria: ACMG Guidelines, 2015. Collection method: clinical testing. Allele origin: germline. Affected: yes.

Illumina Laboratory Services, Illumina
Classification: Uncertain significance for Stickler syndrome type 2. Last evaluated: 2018-01-13. Review status: criteria provided, single submitter. Criteria: ICSL Variant Classification Criteria 13 December 2019. Collection method: clinical testing. Allele origin: germline.

Illumina Laboratory Services, Illumina
Classification: Uncertain significance for Fibrochondrogenesis 1. Last evaluated: 2018-01-13. Review status: criteria provided, single submitter. Criteria: ICSL Variant Classification Criteria 13 December 2019. Collection method: clinical testing. Allele origin: germline.

Eurofins Ntd Llc (ga)
Classification: Uncertain significance. Last evaluated: 2016-11-16. Review status: criteria provided, single submitter. Criteria: EGL Classification Definitions 2015. Collection method: clinical testing. Allele origin: germline. Observed: 1 variant allele, 1 heterozygote.

PreventionGenetics, part of Exact Sciences
Classification: Likely benign for COL11A1-related condition. Last evaluated: 2023-07-06. Review status: no assertion criteria provided. Collection method: clinical testing. Allele origin: germline. Not counted in ClinVar's aggregate classification.
Comment: This variant is classified as likely benign based on ACMG/AMP sequence variant interpretation guidelines (Richards et al. 2015 PMID: 25741868, with internal and published modifications).

Clinical Genetics DNA and cytogenetics Diagnostics Lab, Erasmus MC, Erasmus Medical Center
Classification: Likely benign. Review status: no assertion criteria provided. Collection method: clinical testing. Allele origin: germline. Affected: yes. Study: VKGL Data-share Consensus. Not counted in ClinVar's aggregate classification.

Laboratory of Diagnostic Genome Analysis, Leiden University Medical Center (LUMC)
Classification: Likely benign. Review status: no assertion criteria provided. Collection method: clinical testing. Allele origin: germline. Affected: yes. Study: VKGL Data-share Consensus. Not counted in ClinVar's aggregate classification.

NM_001854.4(COL11A1):c.5198G>A (p.Arg1733His)

Genes: COL11A1 (collagen type XI alpha 1 chain; minus strand), LOC126805814 (P300/CBP strongly-dependent group 1 enhancer GRCh37_chr1:103344928-103346127; plus strand). Cytogenetic location: 1p21.1.
Variant type: single nucleotide variant.
Coding change: c.5198G>A on transcript NM_001854.4 (MANE Select); coding-DNA position 5198, G replaced by A.
Protein change: p.Arg1733His; replaces arginine 1733 with histidine.
Molecular consequence: missense variant. On other transcripts: non-coding transcript variant (1).
Genome position (GRCh38, 1-based): chr1:102,879,759, C>T on the plus strand (G>A on the coding strand, the complement: COL11A1 is on the minus strand). VCF-style: chr1-102879759-C-T. GRCh37 (hg19) VCF-style: chr1-103345315-C-T.
Other names: c.5081G>A, p.Arg1694His (NM_001190709.2); c.5234G>A, p.Arg1745His (NM_080629.3); c.4850G>A, p.Arg1617His (NM_080630.4); short protein forms R1745H, R1733H, R1694H, R1617H.
Identifiers: ClinVar variation 198360 (VCV000198360.30), dbSNP rs140250347, ClinGen allele CA246966.